The following is an entry in ClinVar:

ClinVar aggregate classification (germline): Uncertain significance (1 of 4 stars; one submission).

Conditions:
Inborn genetic diseases. Identifiers: MedGen C0950123, MeSH D030342.

Submission:

Ambry Genetics
Classification: Uncertain significance for Inborn genetic diseases. Last evaluated: 2024-09-25. Review status: criteria provided, single submitter. Criteria: Ambry Variant Classification Scheme 2023. Collection method: clinical testing. Allele origin: germline.
Comment: The p.M1831T variant (also known as c.5492T>C), located in coding exon 37 of the LRRK2 gene, results from a T to C substitution at nucleotide position 5492. The methionine at codon 1831 is replaced by threonine, an amino acid with similar properties. This amino acid position is conserved. In addition, the in silico prediction for this alteration is inconclusive. Based on the available evidence, the clinical significance of this variant remains unclear.

NM_198578.4(LRRK2):c.5492T>C (p.Met1831Thr)

Gene: LRRK2 (leucine rich repeat kinase 2; plus strand). Cytogenetic location: 12q12.
Variant type: single nucleotide variant.
Coding change: c.5492T>C on transcript NM_198578.4 (MANE Select); coding-DNA position 5492, T replaced by C.
Protein change: p.Met1831Thr; replaces methionine 1831 with threonine.
Molecular consequence: missense variant.
Genome position (GRCh38, 1-based): chr12:40,322,493, T>C. VCF-style: chr12-40322493-T-C. GRCh37 (hg19) VCF-style: chr12-40716295-T-C.
Other names: short protein forms M1831T.
Identifiers: ClinVar variation 3540700 (VCV003540700.1).